The following is an entry in ClinVar:

NM_173651.4(FSIP2):c.17081C>T (p.Ser5694Phe)

Gene: FSIP2 (fibrous sheath interacting protein 2; plus strand). Cytogenetic location: 2q32.1.
Variant type: single nucleotide variant.
Coding change: c.17081C>T on transcript NM_173651.4 (MANE Select); coding-DNA position 17081, C replaced by T.
Protein change: p.Ser5694Phe; replaces serine 5694 with phenylalanine.
Molecular consequence: missense variant.
Genome position (GRCh38, 1-based): chr2:185,806,387, C>T. VCF-style: chr2-185806387-C-T. GRCh37 (hg19) VCF-style: chr2-186671114-C-T.
Other names: short protein forms S5694F.
Identifiers: ClinVar variation 3055987 (VCV003055987.2), dbSNP rs76069343, ClinGen allele CA2017344.

ClinVar aggregate classification (germline): Benign (0 of 4 stars; one submission).

Conditions:
FSIP2-related disorder. Also called: FSIP2-related condition.

Allele frequency attached by ClinVar (database versions not stated): gnomAD exomes 0.00397; ExAC 0.00969; gnomAD 0.02876; ESP Exome Variant Server 0.02961; TOPMed 0.03242; 1000 Genomes Project 0.03514; 1000 Genomes Project 30x 0.03779.
gnomAD v4.1: 10,432 of 1,611,598 alleles (0.65%); highest among the groups gnomAD compares: African/African-American, 9.6%; 396 homozygotes.

Submission:

PreventionGenetics, part of Exact Sciences
Classification: Benign for FSIP2-related condition. Last evaluated: 2019-02-20. Review status: no assertion criteria provided. Collection method: clinical testing. Allele origin: germline.
Comment: This variant is classified as benign based on ACMG/AMP sequence variant interpretation guidelines (Richards et al. 2015 PMID: 25741868, with internal and published modifications).